The following is an entry in ClinVar:

NM_004523.4(KIF11):c.1460G>T (p.Ser487Ile)

Gene: KIF11 (kinesin family member 11; plus strand). Cytogenetic location: 10q23.33.
Variant type: single nucleotide variant.
Coding change: c.1460G>T on transcript NM_004523.4 (MANE Select); coding-DNA position 1460, G replaced by T.
Protein change: p.Ser487Ile; replaces serine 487 with isoleucine.
Molecular consequence: missense variant.
Genome position (GRCh38, 1-based): chr10:92,630,330, G>T. VCF-style: chr10-92630330-G-T. GRCh37 (hg19) VCF-style: chr10-94390087-G-T.
Other names: short protein forms S487I.
Identifiers: ClinVar variation 4692233 (VCV004692233.2).

ClinVar aggregate classification (germline): Uncertain significance. Review status: criteria provided, multiple submitters, no conflicts (2 of 4 stars). 2 submissions from 2 submitters: Uncertain significance (2). Last evaluated 2026-01-27.

gnomAD v4.1: 1 of 1,590,930 alleles (0.000063%); highest among the groups gnomAD compares: Admixed American, 0.0019%; no homozygotes.

Submissions (2):

Labcorp Genetics (formerly Invitae), Labcorp
Classification: Uncertain significance. Last evaluated: 2026-01-27. Review status: criteria provided, single submitter. Criteria: Invitae Variant Classification Sherloc (09022015). Collection method: clinical testing. Allele origin: germline.
Comment: This sequence change replaces serine, which is neutral and polar, with isoleucine, which is neutral and non-polar, at codon 487 of the KIF11 protein (p.Ser487Ile). This variant is not present in population databases (gnomAD no frequency). This variant has not been reported in the literature in individuals affected with KIF11-related conditions. Invitae Evidence Modeling of protein sequence and biophysical properties (such as structural, functional, and spatial information, amino acid conservation, physicochemical variation, residue mobility, and thermodynamic stability) indicates that this missense variant is not expected to disrupt KIF11 protein function with a negative predictive value of 95%. In summary, the available evidence is currently insufficient to determine the role of this variant in disease. Therefore, it has been classified as a Variant of Uncertain Significance.

Blueprint Genetics
Classification: Uncertain significance. Last evaluated: 2023-09-04. Review status: criteria provided, single submitter. Criteria: ACMG Guidelines, 2015. Collection method: clinical testing. Allele origin: germline.